The following is an entry in ClinVar:

NM_005898.5(CAPRIN1):c.230A>G (p.Asp77Gly)

Gene: CAPRIN1 (cell cycle associated protein 1; plus strand). Cytogenetic location: 11p13.
Variant type: single nucleotide variant.
Coding change: c.230A>G on transcript NM_005898.5 (MANE Select); coding-DNA position 230, A replaced by G.
Protein change: p.Asp77Gly; replaces aspartic acid 77 with glycine.
Molecular consequence: missense variant.
Genome position (GRCh38, 1-based): chr11:34,071,739, A>G. VCF-style: chr11-34071739-A-G. GRCh37 (hg19) VCF-style: chr11-34093286-A-G.
Other names: c.230A>G, p.Asp77Gly (NM_203364.3); short protein forms D77G.
Identifiers: ClinVar variation 3252320 (VCV003252320.1), dbSNP rs2496026554.
Genomic context (GRCh38, chr11:34,071,739, plus strand): 5'-ATATACCTTCAAAACGGAATGTAATTCTTTTTTTTCTTTTAACATAGGGTAAGCTTGATG[A>G]TTACCAGGAACGAATGAACAAAGGGGAAAGGCTTAATCAAGATCAGCTGGTAAAGATGTT-3'
Protein context (NP_005889.3, residues 67-87): NLEKKKGKLD[Asp77Gly]YQERMNKGER

ClinVar aggregate classification (germline): Uncertain significance (1 of 4 stars; one submission).

Submission:

GeneDx
Classification: Uncertain significance. Last evaluated: 2023-12-07. Review status: criteria provided, single submitter. Criteria: GeneDx Variant Classification Process June 2021. Collection method: clinical testing. Allele origin: germline. Affected: yes.
Comment: Not observed at significant frequency in large population cohorts (gnomAD); In silico analysis supports that this missense variant has a deleterious effect on protein structure/function; Has not been previously published as pathogenic or benign to our knowledge